The following is an entry in ClinVar:

NM_020533.3(MCOLN1):c.1306T>C (p.Tyr436His)

Gene: MCOLN1 (mucolipin TRP cation channel 1; plus strand). Cytogenetic location: 19p13.2.
Variant type: single nucleotide variant.
Coding change: c.1306T>C on transcript NM_020533.3 (MANE Select); coding-DNA position 1306, T replaced by C.
Protein change: p.Tyr436His; replaces tyrosine 436 with histidine.
Molecular consequence: missense variant.
Genome position (GRCh38, 1-based): chr19:7,529,659, T>C. VCF-style: chr19-7529659-T-C. GRCh37 (hg19) VCF-style: chr19-7594545-T-C.
Other names: short protein forms Y436H.
Identifiers: ClinVar variation 2725231 (VCV002725231.3), dbSNP rs2512473619, ClinGen allele CA403087827.

ClinVar aggregate classification (germline): Likely pathogenic (1 of 4 stars; one submission).

Conditions:
Mucolipidosis type IV (ML4). Also called: ML IV. Identifiers: Orphanet 578, MedGen C0238286, MONDO:0009653, OMIM 252650.

Submission:

Labcorp Genetics (formerly Invitae), Labcorp
Classification: Likely pathogenic for Mucolipidosis type IV. Last evaluated: 2023-06-23. Review status: criteria provided, single submitter. Criteria: Invitae Variant Classification Sherloc (09022015). Collection method: clinical testing. Allele origin: germline.
Comment: This sequence change replaces tyrosine, which is neutral and polar, with histidine, which is basic and polar, at codon 436 of the MCOLN1 protein (p.Tyr436His). This variant is not present in population databases (gnomAD no frequency). This variant has not been reported in the literature in individuals affected with MCOLN1-related conditions. Advanced modeling of protein sequence and biophysical properties (such as structural, functional, and spatial information, amino acid conservation, physicochemical variation, residue mobility, and thermodynamic stability) performed at Invitae indicates that this missense variant is expected to disrupt MCOLN1 protein function. This variant disrupts the p.Tyr436 amino acid residue in MCOLN1. Other variant(s) that disrupt this residue have been determined to be pathogenic (PMID: 23685283). This suggests that this residue is clinically significant, and that variants that disrupt this residue are likely to be disease-causing. In summary, the currently available evidence indicates that the variant is pathogenic, but additional data are needed to prove that conclusively. Therefore, this variant has been classified as Likely Pathogenic.

Literature cited by the submitters: PubMed 23685283.